The following is an entry in ClinVar:

ClinVar aggregate classification (germline): Uncertain significance (1 of 4 stars; one submission).

Conditions:
Cardiovascular phenotype. Identifiers: MedGen CN230736.

Submission:

Ambry Genetics
Classification: Uncertain significance for Cardiovascular phenotype. Last evaluated: 2024-02-18. Review status: criteria provided, single submitter. Criteria: Ambry Variant Classification Scheme 2023. Collection method: clinical testing. Allele origin: germline.
Comment: The p.V3241L variant (also known as c.9721G>C), located in coding exon 27 of the TNXB gene, results from a G to C substitution at nucleotide position 9721. The valine at codon 3241 is replaced by leucine, an amino acid with highly similar properties. This amino acid position is conserved. In addition, this alteration is predicted to be tolerated by in silico analysis. Based on the available evidence, the clinical significance of this alteration remains unclear.

NM_001365276.2(TNXB):c.9727G>C (p.Val3243Leu)

Gene: TNXB (tenascin XB; minus strand). Cytogenetic location: 6p21.33.
Variant type: single nucleotide variant.
Coding change: c.9727G>C on transcript NM_001365276.2 (MANE Select); coding-DNA position 9727, G replaced by C.
Protein change: p.Val3243Leu; replaces valine 3243 with leucine.
Molecular consequence: missense variant.
Genome position (GRCh38, 1-based): chr6:32,049,300, C>G on the plus strand (G>C on the coding strand, the complement: TNXB is on the minus strand). VCF-style: chr6-32049300-C-G. GRCh37 (hg19) VCF-style: chr6-32017077-C-G.
Other names: c.10468G>C, p.Val3490Leu (NM_001428335.1); c.9721G>C, p.Val3241Leu (NM_019105.8); short protein forms V3241L, V3243L, V3490L.
Identifiers: ClinVar variation 3227370 (VCV003227370.1), dbSNP rs770130227, ClinGen allele CA363537705.